The following is an entry in ClinVar:

NM_000264.5(PTCH1):c.2007C>G (p.Asp669Glu)

Genes: PTCH1 (patched 1; minus strand), LOC100507346 (uncharacterized LOC100507346; plus strand). Cytogenetic location: 9q22.32.
Variant type: single nucleotide variant.
Coding change: c.2007C>G on transcript NM_000264.5 (MANE Select); coding-DNA position 2007, C replaced by G.
Protein change: p.Asp669Glu; replaces aspartic acid 669 with glutamic acid.
Molecular consequence: missense variant. On other transcripts: non-coding transcript variant (2).
Genome position (GRCh38, 1-based): chr9:95,468,994, G>C on the plus strand (C>G on the coding strand, the complement: PTCH1 is on the minus strand). VCF-style: chr9-95468994-G-C. GRCh37 (hg19) VCF-style: chr9-98231276-G-C.
Other names: c.1809C>G, p.Asp603Glu (NM_001083602.3); c.2004C>G, p.Asp668Glu (NM_001083603.3); c.1554C>G, p.Asp518Glu (NM_001083604.3, NM_001083605.3, NM_001083606.3 and 1 more transcripts); c.1851C>G, p.Asp617Glu (NM_001354918.2); short protein forms D518E, D603E, D617E, D668E, D669E.
Identifiers: ClinVar variation 2163070 (VCV002163070.5), dbSNP rs2118046380, ClinGen allele CA374115853.

ClinVar aggregate classification (germline): Uncertain significance. Review status: criteria provided, multiple submitters, no conflicts (2 of 4 stars). 2 submissions from 2 submitters: Uncertain significance (2). Last evaluated 2024-07-05.

Conditions:
Hereditary cancer-predisposing syndrome. Also called: Neoplastic Syndromes, Hereditary; Hereditary neoplastic syndrome; Hereditary Cancer Syndrome; Tumor predisposition. Identifiers: Orphanet 140162, MedGen C0027672, MeSH D009386, MONDO:0015356.
Gorlin syndrome. Also called: Basal cell nevus syndrome; Nevoid Basal Cell Carcinoma Syndrome. Identifiers: Orphanet 377, MedGen C0004779, MONDO:0007187.

gnomAD v4.1: 1 of 1,614,070 alleles (0.000062%); highest among the groups gnomAD compares: Non-Finnish European, 0.000085%; no homozygotes.

Submissions (2):

Ambry Genetics
Classification: Uncertain significance for Hereditary cancer-predisposing syndrome. Last evaluated: 2024-07-05. Review status: criteria provided, single submitter. Criteria: Ambry Variant Classification Scheme 2023. Collection method: clinical testing. Allele origin: germline.
Comment: The p.D669E variant (also known as c.2007C>G), located in coding exon 14 of the PTCH1 gene, results from a C to G substitution at nucleotide position 2007. The aspartic acid at codon 669 is replaced by glutamic acid, an amino acid with highly similar properties. This amino acid position is conserved. In addition, the in silico prediction for this alteration is inconclusive. Based on the available evidence, the clinical significance of this variant remains unclear.

Labcorp Genetics (formerly Invitae), Labcorp
Classification: Uncertain significance for Gorlin syndrome. Last evaluated: 2022-02-28. Review status: criteria provided, single submitter. Criteria: Invitae Variant Classification Sherloc (09022015). Collection method: clinical testing. Allele origin: germline.
Comment: In summary, the available evidence is currently insufficient to determine the role of this variant in disease. Therefore, it has been classified as a Variant of Uncertain Significance. Advanced modeling of protein sequence and biophysical properties (such as structural, functional, and spatial information, amino acid conservation, physicochemical variation, residue mobility, and thermodynamic stability) performed at Invitae indicates that this missense variant is not expected to disrupt PTCH1 protein function. This variant has not been reported in the literature in individuals affected with PTCH1-related conditions. This variant is not present in population databases (gnomAD no frequency). This sequence change replaces aspartic acid, which is acidic and polar, with glutamic acid, which is acidic and polar, at codon 669 of the PTCH1 protein (p.Asp669Glu).